The following is an entry in ClinVar:

ClinVar aggregate classification (germline): Uncertain significance (1 of 4 stars; one submission).

Allele frequency attached by ClinVar (database versions not stated): ExAC 0.00004; gnomAD exomes 0.00013; TOPMed 0.00010; gnomAD 0.00014.
gnomAD v4.1: 209 of 1,597,832 alleles (0.013%); highest among the groups gnomAD compares: Non-Finnish European, 0.017%; no homozygotes.

Submission:

Labcorp Genetics (formerly Invitae), Labcorp
Classification: Uncertain significance. Last evaluated: 2025-02-02. Review status: criteria provided, single submitter. Criteria: Invitae Variant Classification Sherloc (09022015). Collection method: clinical testing. Allele origin: germline.
Comment: This sequence change replaces arginine, which is basic and polar, with glutamine, which is neutral and polar, at codon 1130 of the BRD4 protein (p.Arg1130Gln). This variant is present in population databases (rs200703650, gnomAD 0.01%). This variant has not been reported in the literature in individuals affected with BRD4-related conditions. ClinVar contains an entry for this variant (Variation ID: 2064580). An algorithm developed to predict the effect of missense changes on protein structure and function (PolyPhen-2) suggests that this variant is likely to be tolerated. In summary, the available evidence is currently insufficient to determine the role of this variant in disease. Therefore, it has been classified as a Variant of Uncertain Significance.

NM_001379291.1(BRD4):c.3389G>A (p.Arg1130Gln)

Gene: BRD4 (bromodomain containing 4; minus strand). Cytogenetic location: 19p13.12.
Variant type: single nucleotide variant.
Coding change: c.3389G>A on transcript NM_001379291.1 (MANE Select); coding-DNA position 3389, G replaced by A.
Protein change: p.Arg1130Gln; replaces arginine 1130 with glutamine.
Molecular consequence: missense variant.
Genome position (GRCh38, 1-based): chr19:15,239,715, C>T on the plus strand (G>A on the coding strand, the complement: BRD4 is on the minus strand). VCF-style: chr19-15239715-C-T. GRCh37 (hg19) VCF-style: chr19-15350526-C-T.
Other names: c.3389G>A, p.Arg1130Gln (NM_058243.3); short protein forms R1130Q.
Identifiers: ClinVar variation 2064580 (VCV002064580.4), dbSNP rs200703650, ClinGen allele CA9264696.